The following is an entry in ClinVar:

ClinVar aggregate classification (germline): Likely benign (0 of 4 stars; one submission).

Conditions:
SPTB-related disorder. Also called: SPTB-related condition; SPTB-Related Disorders.

Allele frequency attached by ClinVar (database versions not stated): ExAC 0.00004; TOPMed below 0.00001; gnomAD exomes 0.00002.
gnomAD v4.1: 10 of 1,614,016 alleles (0.00062%); highest among the groups gnomAD compares: East Asian, 0.022%; no homozygotes.

Submission:

PreventionGenetics, part of Exact Sciences
Classification: Likely benign for SPTB-related condition. Last evaluated: 2023-05-25. Review status: no assertion criteria provided. Collection method: clinical testing. Allele origin: germline.
Comment: This variant is classified as likely benign based on ACMG/AMP sequence variant interpretation guidelines (Richards et al. 2015 PMID: 25741868, with internal and published modifications).

NM_001355436.2(SPTB):c.4320C>A (p.Ala1440=)

Gene: SPTB (spectrin beta, erythrocytic; minus strand). Cytogenetic location: 14q23.3.
Variant type: single nucleotide variant.
Coding change: c.4320C>A on transcript NM_001355436.2 (MANE Select); coding-DNA position 4320, C replaced by A.
Protein change: p.Ala1440=; no amino-acid change (alanine 1440 retained).
Molecular consequence: synonymous variant.
Genome position (GRCh38, 1-based): chr14:64,779,878, G>T on the plus strand (C>A on the coding strand, the complement: SPTB is on the minus strand). VCF-style: chr14-64779878-G-T. GRCh37 (hg19) VCF-style: chr14-65246596-G-T.
Other names: c.4320C>A, p.Ala1440= (NM_001024858.4, NM_001355437.2).
Identifiers: ClinVar variation 3029012 (VCV003029012.2), dbSNP rs762565895, ClinGen allele CA7230337.